The following is an entry in ClinVar:

ClinVar aggregate classification (germline): Uncertain significance (1 of 4 stars; one submission).

Conditions:
Telangiectasia, hereditary hemorrhagic, type 2 (HHT2). Also called: ACVRL1-Related Hereditary Hemorrhagic Telangiectasia; Telangiectasia, hereditary hemorrhagic, type II. Identifiers: Orphanet 774, MedGen C1838163, MONDO:0010880, OMIM 600376. Disease mechanism: loss of function.

Submission:

3billion
Classification: Uncertain significance for Telangiectasia, hereditary hemorrhagic, type 2. Last evaluated: 2026-01-08. Review status: criteria provided, single submitter. Criteria: ACMG Guidelines, 2015. Collection method: clinical testing. Allele origin: germline. Affected: yes.
Comment: The variant is not observed in the gnomAD v4.1.0 dataset. Predicted Consequence/Location: Intron variant In silico tools predict the variant to alter splicing and produce an abnormal transcript [SpliceAI: 0.53 (>=0.2, moderate evidence for spliceogenicity)]. Therefore, this variant is classified as VUS according to the recommendation of ACMG/AMP guideline.

NM_000020.3(ACVRL1):c.1378-3C>G

Gene: ACVRL1 (activin A receptor like type 1; plus strand). Cytogenetic location: 12q13.13.
Variant type: single nucleotide variant.
Coding change: c.1378-3C>G on transcript NM_000020.3 (MANE Select); 3 bases into the intron before coding-DNA position 1378, C replaced by G.
Molecular consequence: intron variant.
Genome position (GRCh38, 1-based): chr12:51,920,756, C>G. VCF-style: chr12-51920756-C-G. GRCh37 (hg19) VCF-style: chr12-52314540-C-G.
Other names: c.1378-3C>G (NM_001406487.1, NM_001077401.2); c.1066-3C>G (NM_001406491.1, NM_001406492.1); c.1222-3C>G (NM_001406490.1); c.868-3C>G (NM_001406494.1); c.814-3C>G (NM_001406495.1).
Identifiers: ClinVar variation 4855123 (VCV004855123.1).